The following is an entry in ClinVar:

NM_139058.3(ARX):c.306GGC[3] (p.Ala109_Ala115del)

Genes: ARX (aristaless related homeobox; minus strand), LOC109610631 (aristaless related homeobox polyalanine expansion region; plus strand). Cytogenetic location: Xp21.3.
Variant type: Microsatellite.
Coding change: c.306GGC[3] on transcript NM_139058.3 (MANE Select); three copies in a row of the 3-base unit GGC starting at c.306; the reference has ten copies in a row; seven copies, 21 bases deleted.
Protein change: p.Ala109_Ala115del.
Molecular consequence: inframe deletion.
Genome position (GRCh38, 1-based): chrX:25,013,660-25,013,680, GCCGCCGCCGCCGCCGCCGCC deleted on the plus strand (GGCGGCGGCGGCGGCGGCGGC on the coding strand, the reverse complement: ARX is on the minus strand); deleting any 21 consecutive bases within chrX:25,013,660-25,013,691 gives the same sequence; the position shown is the placement nearest the transcript's 3' end. VCF-style (leftmost placement, unchanged base first): chrX-25013659-TGCCGCCGCCGCCGCCGCCGCC-T. GRCh37 (hg19) VCF-style: chrX-25031776-TGCCGCCGCCGCCGCCGCCGCC-T.
Identifiers: ClinVar variation 1420061 (VCV001420061.6), dbSNP rs387906492, ClinGen allele CA2580616914.

ClinVar aggregate classification (germline): Uncertain significance (1 of 4 stars; one submission).

Conditions:
Intellectual disability, X-linked, with or without seizures, ARX-related. Also called: MENTAL RETARDATION, X-LINKED 29; MENTAL RETARDATION, X-LINKED 32; MENTAL RETARDATION, X-LINKED 33; MENTAL RETARDATION, X-LINKED 38; MENTAL RETARDATION, X-LINKED 43; MENTAL RETARDATION, X-LINKED 76. Identifiers: Orphanet 777, MedGen C0796244, MONDO:0010317, OMIM 300419.
Developmental and epileptic encephalopathy, 1 (DEE1). Also called: INFANTILE SPASM SYNDROME, X-LINKED 1; X-linked infantile spasms; West's syndrome; Tonic spasms with clustering, arrest of psychomotor development and hypsarrhythmia on EEG; X-Linked Infantile Spasm Syndrome; OHTAHARA SYNDROME, X-LINKED. Identifiers: MedGen C3463992, MONDO:0010632, OMIM 308350. Disease mechanism: loss of function.

Submission:

Labcorp Genetics (formerly Invitae), Labcorp
Classification: Uncertain significance for Developmental and epileptic encephalopathy, 1; Intellectual disability, X-linked, with or without seizures, ARX-related. Last evaluated: 2025-03-17. Review status: criteria provided, single submitter. Criteria: Invitae Variant Classification Sherloc (09022015). Collection method: clinical testing. Allele origin: germline.
Comment: This variant, c.315_335del, results in the deletion of 7 amino acid(s) of the ARX protein (p.Ala109_Ala115del), but otherwise preserves the integrity of the reading frame. The frequency data for this variant in the population databases is considered unreliable, as metrics indicate insufficient coverage at this position in the gnomAD database. This variant has not been reported in the literature in individuals affected with ARX-related conditions. Experimental studies and prediction algorithms are not available or were not evaluated, and the functional significance of this variant is currently unknown. In summary, the available evidence is currently insufficient to determine the role of this variant in disease. Therefore, it has been classified as a Variant of Uncertain Significance.